The following is an entry in ClinVar:

NM_001283009.2(RTEL1):c.721G>A (p.Asp241Asn)

Genes: RTEL1 (regulator of telomere elongation helicase 1; plus strand), RTEL1-TNFRSF6B (RTEL1-TNFRSF6B readthrough (NMD candidate); plus strand). Cytogenetic location: 20q13.33.
Variant type: single nucleotide variant.
Coding change: c.721G>A on transcript NM_001283009.2 (MANE Select); coding-DNA position 721, G replaced by A.
Protein change: p.Asp241Asn; replaces aspartic acid 241 with asparagine.
Molecular consequence: missense variant. On other transcripts: non-coding transcript variant (1).
Genome position (GRCh38, 1-based): chr20:63,672,577, G>A. VCF-style: chr20-63672577-G-A. GRCh37 (hg19) VCF-style: chr20-62303930-G-A.
Other names: c.52G>A, p.Asp18Asn (NM_001283010.1); c.721G>A, p.Asp241Asn (NM_016434.4); c.793G>A, p.Asp265Asn (NM_032957.5); short protein forms D18N, D241N, D265N.
Identifiers: ClinVar variation 2931662 (VCV002931662.4), dbSNP rs2517033481, ClinGen allele CA409671971.
Genomic context (GRCh38, chr20:63,672,577, plus strand): 5'-GTGAGCTCCAGCGCTGCGTCCCTTCTCTTCCTCCTGTAGAGCCGCAGAGCACACAACATT[G>A]ACCTGAAGGGGACAGTCGTGATCTTTGACGAAGCTCACAACGTGGTGAGTCTCCGCTGGC-3'
Protein context (NP_001269938.1, residues 231-251): DAKSRRAHNI[Asp241Asn]LKGTVVIFDE

ClinVar aggregate classification (germline): Uncertain significance. Review status: criteria provided, multiple submitters, no conflicts (2 of 4 stars). 2 submissions from 2 submitters: Uncertain significance (2). Last evaluated 2025-09-26.

Conditions:
Dyskeratosis congenita, autosomal recessive 5 (DKCB5). Identifiers: MedGen C3554656, MONDO:0014076, OMIM 615190.
Pulmonary fibrosis and/or bone marrow failure, Telomere-related, 3. Also called: PULMONARY FIBROSIS AND/OR BONE MARROW FAILURE SYNDROME, TELOMERE-RELATED, 3. Identifiers: Orphanet 2032, MedGen C4225346, MONDO:0014613, OMIM 616373.
Inborn genetic diseases. Identifiers: MedGen C0950123, MeSH D030342.

Allele frequency attached by ClinVar (database versions not stated): gnomAD exomes below 0.00001.

Submissions (2):

Ambry Genetics
Classification: Uncertain significance for Inborn genetic diseases. Last evaluated: 2025-09-26. Review status: criteria provided, single submitter. Criteria: Ambry Variant Classification Scheme 2023. Collection method: clinical testing. Allele origin: germline.
Comment: The p.D241N variant (also known as c.721G>A), located in coding exon 8 of the RTEL1 gene, results from a G to A substitution at nucleotide position 721. The aspartic acid at codon 241 is replaced by asparagine, an amino acid with highly similar properties. This amino acid position is conserved. In addition, this alteration is predicted to be tolerated by in silico analysis. Based on the available evidence, the clinical significance of this variant remains unclear.

Labcorp Genetics (formerly Invitae), Labcorp
Classification: Uncertain significance for Dyskeratosis congenita, autosomal recessive 5; Pulmonary fibrosis and/or bone marrow failure, Telomere-related, 3. Last evaluated: 2023-09-11. Review status: criteria provided, single submitter. Criteria: Invitae Variant Classification Sherloc (09022015). Collection method: clinical testing. Allele origin: germline.
Comment: This variant is not present in population databases (gnomAD no frequency). This sequence change replaces aspartic acid, which is acidic and polar, with asparagine, which is neutral and polar, at codon 241 of the RTEL1 protein (p.Asp241Asn). An algorithm developed to predict the effect of missense changes on protein structure and function (PolyPhen-2) suggests that this variant is likely to be disruptive. This variant has not been reported in the literature in individuals affected with RTEL1-related conditions. In summary, the available evidence is currently insufficient to determine the role of this variant in disease. Therefore, it has been classified as a Variant of Uncertain Significance.